The following is an entry in ClinVar:

NM_000303.3(PMM2):c.*994A>T

Gene: PMM2 (phosphomannomutase 2; plus strand). Cytogenetic location: 16p13.2.
Variant type: single nucleotide variant.
Coding change: c.*994A>T on transcript NM_000303.3 (MANE Select); 994 bases downstream of the stop codon, A replaced by T.
Molecular consequence: 3 prime UTR variant.
Genome position (GRCh38, 1-based): chr16:8,848,819, A>T. VCF-style: chr16-8848819-A-T. GRCh37 (hg19) VCF-style: chr16-8942676-A-T.
Identifiers: ClinVar variation 321254 (VCV000321254.5), dbSNP rs113234190, ClinGen allele CA10638654.

ClinVar aggregate classification (germline): Benign (1 of 4 stars; one submission).

Conditions:
PMM2-congenital disorder of glycosylation. Also called: CDG Ia; JAEKEN SYNDROME; PHOSPHOMANNOMUTASE 2 DEFICIENCY; Congenital disorder of glycosylation, type Ia; CARBOHYDRATE-DEFICIENT GLYCOPROTEIN SYNDROME, TYPE Ia; PMM2-CDG. Identifiers: Orphanet 79318, MedGen C0349653, MONDO:0008907, OMIM 212065.

Allele frequency attached by ClinVar (database versions not stated): 1000 Genomes Project 0.01258; gnomAD 0.01260 and 0.01373; TOPMed 0.01410; 1000 Genomes Project 30x 0.01483.

Submission:

Illumina Laboratory Services, Illumina
Classification: Benign for PMM2-congenital disorder of glycosylation. Last evaluated: 2018-01-12. Review status: criteria provided, single submitter. Criteria: ICSL Variant Classification Criteria 13 December 2019. Collection method: clinical testing. Allele origin: germline.
Comment: This variant was observed in the ICSL laboratory as part of a predisposition screen in an ostensibly healthy population. It had not been previously curated by ICSL or reported in the Human Gene Mutation Database (HGMD: prior to June 1st, 2018), and was therefore a candidate for classification through an automated scoring system. Utilizing variant allele frequency, disease prevalence and penetrance estimates, and inheritance mode, an automated score was calculated to assess if this variant is too frequent to cause the disease. Based on the score and internal cut-off values, a variant classified as benign is not then subjected to further curation. The score for this variant resulted in a classification of benign for this disease.